The following is an entry in ClinVar:

ClinVar aggregate classification (germline): Uncertain significance. Review status: criteria provided, multiple submitters, no conflicts (2 of 4 stars). 2 submissions from 2 submitters: Uncertain significance (2). Last evaluated 2025-12-30.

Conditions:
Pulmonary fibrosis and/or bone marrow failure, Telomere-related, 3. Also called: PULMONARY FIBROSIS AND/OR BONE MARROW FAILURE SYNDROME, TELOMERE-RELATED, 3. Identifiers: Orphanet 2032, MedGen C4225346, MONDO:0014613, OMIM 616373.
Dyskeratosis congenita, autosomal recessive 5 (DKCB5). Identifiers: MedGen C3554656, MONDO:0014076, OMIM 615190.
Inborn genetic diseases. Identifiers: MedGen C0950123, MeSH D030342.

Allele frequency attached by ClinVar (database versions not stated): ExAC 0.00002; gnomAD 0.00004; TOPMed 0.00006; gnomAD exomes 0.00002; ESP Exome Variant Server 0.00008.

Submissions (2):

Labcorp Genetics (formerly Invitae), Labcorp
Classification: Uncertain significance for Dyskeratosis congenita, autosomal recessive 5; Pulmonary fibrosis and/or bone marrow failure, Telomere-related, 3. Last evaluated: 2025-12-30. Review status: criteria provided, single submitter. Criteria: Invitae Variant Classification Sherloc (09022015). Collection method: clinical testing. Allele origin: germline.
Comment: This sequence change replaces lysine, which is basic and polar, with arginine, which is basic and polar, at codon 944 of the RTEL1 protein (p.Lys944Arg). This variant is present in population databases (rs374716451, gnomAD 0.03%). This variant has not been reported in the literature in individuals affected with RTEL1-related conditions. ClinVar contains an entry for this variant (Variation ID: 2067321). An algorithm developed to predict the effect of missense changes on protein structure and function outputs the following: PolyPhen-2: "Benign". The arginine amino acid residue is found in multiple mammalian species, which suggests that this missense change does not adversely affect protein function. In summary, the available evidence is currently insufficient to determine the role of this variant in disease. Therefore, it has been classified as a Variant of Uncertain Significance.

Ambry Genetics
Classification: Uncertain significance for Inborn genetic diseases. Last evaluated: 2024-11-22. Review status: criteria provided, single submitter. Criteria: Ambry Variant Classification Scheme 2023. Collection method: clinical testing. Allele origin: germline.
Comment: The p.K944R variant (also known as c.2831A>G), located in coding exon 28 of the RTEL1 gene, results from an A to G substitution at nucleotide position 2831. The lysine at codon 944 is replaced by arginine, an amino acid with highly similar properties. This amino acid position is conserved. In addition, this alteration is predicted to be tolerated by in silico analysis. Based on the available evidence, the clinical significance of this variant remains unclear.

NM_001283009.2(RTEL1):c.2831A>G (p.Lys944Arg)

Genes: RTEL1 (regulator of telomere elongation helicase 1; plus strand), RTEL1-TNFRSF6B (RTEL1-TNFRSF6B readthrough (NMD candidate); plus strand). Cytogenetic location: 20q13.33.
Variant type: single nucleotide variant.
Coding change: c.2831A>G on transcript NM_001283009.2 (MANE Select); coding-DNA position 2831, A replaced by G.
Protein change: p.Lys944Arg; replaces lysine 944 with arginine.
Molecular consequence: missense variant. On other transcripts: non-coding transcript variant (1).
Genome position (GRCh38, 1-based): chr20:63,692,983, A>G. VCF-style: chr20-63692983-A-G. GRCh37 (hg19) VCF-style: chr20-62324336-A-G.
Other names: c.2162A>G, p.Lys721Arg (NM_001283010.1); c.2831A>G, p.Lys944Arg (NM_016434.4); c.2903A>G, p.Lys968Arg (NM_032957.5); short protein forms K944R, K968R, K721R.
Identifiers: ClinVar variation 2067321 (VCV002067321.4), dbSNP rs374716451, ClinGen allele CA9965566.